The following is an entry in ClinVar:

ClinVar aggregate classification (germline): Pathogenic (1 of 4 stars; one submission).

Conditions:
Mitochondrial trifunctional protein deficiency. Identifiers: Orphanet 746, MedGen C1969443, MONDO:0012172.
Long chain 3-hydroxyacyl-CoA dehydrogenase deficiency. Also called: Deficiency of long-chain 3-hydroxyacyl-coenzyme A dehydrogenase; LCHAD Deficiency. Identifiers: Orphanet 5, MedGen C3711645, MONDO:0012173, OMIM 609016.

Submission:

Labcorp Genetics (formerly Invitae), Labcorp
Classification: Pathogenic for Mitochondrial trifunctional protein deficiency; Long chain 3-hydroxyacyl-CoA dehydrogenase deficiency. Last evaluated: 2021-05-27. Review status: criteria provided, single submitter. Criteria: Invitae Variant Classification Sherloc (09022015). Collection method: clinical testing. Allele origin: germline.
Comment: This sequence change creates a premature translational stop signal (p.Pro357Hisfs*15) in the HADHA gene. It is expected to result in an absent or disrupted protein product. Loss-of-function variants in HADHA are known to be pathogenic (PMID: 7738175, 21103935, 21549624, 22459206). This variant is not present in population databases (ExAC no frequency). This variant has not been reported in the literature in individuals with HADHA-related conditions. ClinVar contains an entry for this variant (Variation ID: 952941). For these reasons, this variant has been classified as Pathogenic.

Literature cited by the submitters: PubMed 7738175; PubMed 21103935; PubMed 21549624; PubMed 22459206.

NM_000182.5(HADHA):c.1070del (p.Pro357fs)

Gene: HADHA (hydroxyacyl-CoA dehydrogenase trifunctional multienzyme complex subunit alpha; minus strand). Cytogenetic location: 2p23.3.
Variant type: Deletion.
Coding change: c.1070del on transcript NM_000182.5 (MANE Select); coding-DNA position 1070, one base deleted (C; older notation c.1070delC).
Protein change: p.Pro357fs; shifts the reading frame from proline 357.
Molecular consequence: frameshift variant.
Genome position (GRCh38, 1-based): chr2:26,209,795, G deleted on the plus strand (C on the coding strand, the reverse complement: HADHA is on the minus strand); the first of 2 consecutive G bases (chr2:26,209,795-26,209,796); deleting either gives the same sequence. VCF-style (leftmost placement, unchanged base first): chr2-26209794-TG-T. GRCh37 (hg19) VCF-style: chr2-26432663-TG-T.
Other names: short protein forms P357fs.
Identifiers: ClinVar variation 952941 (VCV000952941.8), dbSNP rs1670051013, ClinGen allele CA1139656775.